The following is an entry in ClinVar:

NM_014806.5(RUSC2):c.3451G>A (p.Gly1151Ser)

Gene: RUSC2 (RUN and SH3 domain containing 2; plus strand). Cytogenetic location: 9p13.3.
Variant type: single nucleotide variant.
Coding change: c.3451G>A on transcript NM_014806.5 (MANE Select); coding-DNA position 3451, G replaced by A.
Protein change: p.Gly1151Ser; replaces glycine 1151 with serine.
Molecular consequence: missense variant. On other transcripts: non-coding transcript variant (1).
Genome position (GRCh38, 1-based): chr9:35,560,091, G>A. VCF-style: chr9-35560091-G-A. GRCh37 (hg19) VCF-style: chr9-35560088-G-A.
Other names: c.3451G>A, p.Gly1151Ser (NM_001135999.2); c.817G>A, p.Gly273Ser (NM_001330740.2); c.3451G>A (NM_001135999.1); short protein forms G1151S, G273S.
Identifiers: ClinVar variation 1466815 (VCV001466815.6), dbSNP rs369185817, ClinGen allele CA5044166.

ClinVar aggregate classification (germline): Conflicting classifications of pathogenicity. Review status: criteria provided, conflicting classifications (1 of 4 stars). 3 submissions from 3 submitters: Uncertain significance (2); Likely benign (1). Last evaluated 2025-03-27.

Allele frequency attached by ClinVar (database versions not stated): ExAC 0.00004; gnomAD 0.00007 and 0.00008; gnomAD exomes 0.00003; ESP Exome Variant Server 0.00008; TOPMed 0.00012; 1000 Genomes Project 30x 0.00031; 1000 Genomes Project 0.00040.
gnomAD v4.1: 29 of 1,613,722 alleles (0.0018%); highest among the groups gnomAD compares: African/African-American, 0.013%; no homozygotes.

Submissions (3):

GeneDx
Classification: Uncertain significance. Last evaluated: 2025-03-27. Review status: criteria provided, single submitter. Criteria: GeneDx Variant Classification Process June 2021. Collection method: clinical testing. Allele origin: germline. Affected: yes.
Comment: In silico analysis indicates that this missense variant does not alter protein structure/function; Has not been previously published as pathogenic or benign to our knowledge

Ambry Genetics
Classification: Likely benign. Last evaluated: 2023-03-07. Review status: criteria provided, single submitter. Criteria: Ambry Variant Classification Scheme 2023. Collection method: clinical testing. Allele origin: germline.

Labcorp Genetics (formerly Invitae), Labcorp
Classification: Uncertain significance. Last evaluated: 2022-02-10. Review status: criteria provided, single submitter. Criteria: Invitae Variant Classification Sherloc (09022015). Collection method: clinical testing. Allele origin: germline.
Comment: This sequence change replaces glycine, which is neutral and non-polar, with serine, which is neutral and polar, at codon 1151 of the RUSC2 protein (p.Gly1151Ser). This variant is present in population databases (rs369185817, gnomAD 0.02%). This variant has not been reported in the literature in individuals affected with RUSC2-related conditions. Algorithms developed to predict the effect of missense changes on protein structure and function output the following: SIFT: "Tolerated"; PolyPhen-2: "Benign"; Align-GVGD: "Class C0". The serine amino acid residue is found in multiple mammalian species, which suggests that this missense change does not adversely affect protein function. Algorithms developed to predict the effect of sequence changes on RNA splicing suggest that this variant may create or strengthen a splice site. In summary, the available evidence is currently insufficient to determine the role of this variant in disease. Therefore, it has been classified as a Variant of Uncertain Significance.